The following is an entry in ClinVar:

NM_000368.5(TSC1):c.389C>T (p.Thr130Ile)

Gene: TSC1 (TSC complex subunit 1; minus strand). Cytogenetic location: 9q34.13.
Variant type: single nucleotide variant.
Coding change: c.389C>T on transcript NM_000368.5 (MANE Select); coding-DNA position 389, C replaced by T.
Protein change: p.Thr130Ile; replaces threonine 130 with isoleucine.
Molecular consequence: missense variant.
Genome position (GRCh38, 1-based): chr9:132,923,467, G>A on the plus strand (C>T on the coding strand, the complement: TSC1 is on the minus strand). VCF-style: chr9-132923467-G-A. GRCh37 (hg19) VCF-style: chr9-135798854-G-A.
Other names: c.389C>T, p.Thr130Ile (NM_001162426.2); c.236C>T, p.Thr79Ile (NM_001162427.2); c.26C>T, p.Thr9Ile (NM_001362177.2); short protein forms T130I, T79I, T9I.
Identifiers: ClinVar variation 411209 (VCV000411209.15), dbSNP rs779340088, ClinGen allele CA037444.
Genomic context (GRCh38, chr9:132,923,467, plus strand): 5'-TGCTGTTTCCCAGACTGTGGAATCATTGGTAGCATGGTTATCAACACCAAGACGCCTGTT[G>A]TGAGGACAACGACGTCAGTGTCCATCTGCAGGAGAAAAGGTCAAACAGGAAACGTCTGTC-3'
Protein context (NP_000359.1, residues 120-140): LKMDTDVVVL[Thr130Ile]TGVLVLITML

ClinVar aggregate classification (germline): Conflicting classifications of pathogenicity. Review status: criteria provided, conflicting classifications (1 of 4 stars). 2 submissions from 2 submitters: Uncertain significance (1); Likely benign (1). Last evaluated 2025-11-11.

Conditions:
Hereditary cancer-predisposing syndrome. Also called: Hereditary neoplastic syndrome; Neoplastic Syndromes, Hereditary; Tumor predisposition; Hereditary Cancer Syndrome. Identifiers: Orphanet 140162, MedGen C0027672, MeSH D009386, MONDO:0015356.
Tuberous sclerosis 1 (TSC1). Identifiers: Orphanet 805, MedGen C1854465, MONDO:0008612, OMIM 191100.

Allele frequency attached by ClinVar (database versions not stated): gnomAD exomes 0.00001 and 0.00002; ExAC 0.00003.

Submissions (2):

Ambry Genetics
Classification: Uncertain significance for Hereditary cancer-predisposing syndrome. Last evaluated: 2025-11-11. Review status: criteria provided, single submitter. Criteria: Ambry Variant Classification Scheme 2023. Collection method: clinical testing. Allele origin: germline.
Comment: The p.T130I variant (also known as c.389C>T), located in coding exon 4 of the TSC1 gene, results from a C to T substitution at nucleotide position 389. The threonine at codon 130 is replaced by isoleucine, an amino acid with similar properties. This amino acid position is well conserved in available vertebrate species. In addition, the in silico prediction for this alteration is inconclusive. Since supporting evidence is limited at this time, the clinical significance of this alteration remains unclear.

Labcorp Genetics (formerly Invitae), Labcorp
Classification: Likely benign for Tuberous sclerosis 1. Last evaluated: 2025-06-04. Review status: criteria provided, single submitter. Criteria: Invitae Variant Classification Sherloc (09022015). Collection method: clinical testing. Allele origin: germline.